The following is an entry in ClinVar:

ClinVar aggregate classification (germline): Uncertain significance. Review status: criteria provided, multiple submitters, no conflicts (2 of 4 stars). 2 submissions from 2 submitters: Uncertain significance (2). Last evaluated 2025-12-21.

Allele frequency attached by ClinVar (database versions not stated): gnomAD 0.00001; gnomAD exomes 0.00001; ExAC 0.00002.
gnomAD v4.1: 19 of 1,611,274 alleles (0.0012%); highest among the groups gnomAD compares: Admixed American, 0.0067%; no homozygotes.

Submissions (2):

Labcorp Genetics (formerly Invitae), Labcorp
Classification: Uncertain significance. Last evaluated: 2025-12-21. Review status: criteria provided, single submitter. Criteria: Invitae Variant Classification Sherloc (09022015). Collection method: clinical testing. Allele origin: germline.
Comment: This sequence change replaces arginine, which is basic and polar, with cysteine, which is neutral and slightly polar, at codon 302 of the GEN1 protein (p.Arg302Cys). The frequency data for this variant in the population databases is considered unreliable, as metrics indicate poor data quality at this position in the gnomAD database. This variant has not been reported in the literature in individuals affected with GEN1-related conditions. ClinVar contains an entry for this variant (Variation ID: 2070021). An algorithm developed to predict the effect of missense changes on protein structure and function outputs the following: PolyPhen-2: "Benign". The cysteine amino acid residue is found in multiple mammalian species, which suggests that this missense change does not adversely affect protein function. In summary, the available evidence is currently insufficient to determine the role of this variant in disease. Therefore, it has been classified as a Variant of Uncertain Significance.

Ambry Genetics
Classification: Uncertain significance. Last evaluated: 2025-02-03. Review status: criteria provided, single submitter. Criteria: Ambry Variant Classification Scheme 2023. Collection method: clinical testing. Allele origin: germline.
Comment: The p.R302C variant (also known as c.904C>T), located in coding exon 7 of the GEN1 gene, results from a C to T substitution at nucleotide position 904. The arginine at codon 302 is replaced by cysteine, an amino acid with highly dissimilar properties. This amino acid position is conserved. In addition, this alteration is predicted to be tolerated by in silico analysis. Based on the available evidence, the clinical significance of this variant remains unclear.

NM_001130009.3(GEN1):c.904C>T (p.Arg302Cys)

Gene: GEN1 (GEN1 structure-specific endonuclease; plus strand). Cytogenetic location: 2p24.2.
Variant type: single nucleotide variant.
Coding change: c.904C>T on transcript NM_001130009.3 (MANE Select); coding-DNA position 904, C replaced by T.
Protein change: p.Arg302Cys; replaces arginine 302 with cysteine.
Molecular consequence: missense variant.
Genome position (GRCh38, 1-based): chr2:17,772,735, C>T. VCF-style: chr2-17772735-C-T. GRCh37 (hg19) VCF-style: chr2-17954002-C-T.
Other names: c.904C>T, p.Arg302Cys (NM_182625.5); c.904C>T (NM_001130009.1); short protein forms R302C.
Identifiers: ClinVar variation 2070021 (VCV002070021.6), dbSNP rs202192107, ClinGen allele CA1540594.
Genomic context (GRCh38, chr2:17,772,735, plus strand): 5'-AAAAGTGATAAATATTGTGAGCCACATGACTATGAATACTGCTGTCCTTGTGAGTGGCAC[C>T]GTACAGAACATGATAGGCAACTCAGTGAAGTAGAGAACAATATTAAGAAGTAAGTTTTTT-3'
Protein context (NP_001123481.3, residues 292-312): YEYCCPCEWH[Arg302Cys]TEHDRQLSEV